The following is an entry in ClinVar:

NM_182641.4(BPTF):c.5999-286A>G

Gene: BPTF (bromodomain PHD finger transcription factor; plus strand). Cytogenetic location: 17q24.2.
Variant type: single nucleotide variant.
Coding change: c.5999-286A>G on transcript NM_182641.4 (MANE Select); 286 bases into the intron before coding-DNA position 5999, A replaced by G.
Molecular consequence: intron variant. On other transcripts: synonymous variant (1).
Genome position (GRCh38, 1-based): chr17:67,929,050, A>G. VCF-style: chr17-67929050-A-G. GRCh37 (hg19) VCF-style: chr17-65925166-A-G.
Other names: c.6279A>G, p.Lys2093= (NM_001439141.1); c.6377-286A>G (NM_001439140.1, NM_004459.7, NM_001439142.1); c.6188-286A>G (NM_001439139.1, NM_001439144.1, NM_001439143.1).
Identifiers: ClinVar variation 5005796 (VCV005005796.2).

ClinVar aggregate classification (germline): Uncertain significance (1 of 4 stars; one submission).

Conditions:
Kaposi sarcoma, susceptibility to. Also called: MULTIPLE IDIOPATHIC PIGMENTED HEMANGIOSARCOMA, SUSCEPTIBILITY TO. Identifiers: MedGen C3538945, MONDO:0007845, OMIM 148000.
Neurodevelopmental disorder with dysmorphic facies and distal limb anomalies. Identifiers: Orphanet 686482, MedGen C4540327, MONDO:0060596, OMIM 617755.

Submission:

Juno Genomics, Hangzhou Juno Genomics, Inc
Classification: Uncertain significance for Kaposi sarcoma, susceptibility to; Neurodevelopmental disorder with dysmorphic facies and distal limb anomalies. Review status: criteria provided, single submitter. Criteria: ACMG Guidelines, 2015. Collection method: clinical testing. Allele origin: germline.
Comment: Absent from controls (or at extremely low frequency if recessive) in Genome Aggregation Database.;Multiple lines of computational evidence support a deleterious effect on the gene or gene product.